The following is an entry in ClinVar:

NM_032043.3(BRIP1):c.1732A>C (p.Lys578Gln)

Gene: BRIP1 (BRCA1 interacting DNA helicase 1; minus strand). Cytogenetic location: 17q23.2.
Variant type: single nucleotide variant.
Coding change: c.1732A>C on transcript NM_032043.3 (MANE Select); coding-DNA position 1732, A replaced by C.
Protein change: p.Lys578Gln; replaces lysine 578 with glutamine.
Molecular consequence: missense variant.
Genome position (GRCh38, 1-based): chr17:61,780,902, T>G on the plus strand (A>C on the coding strand, the complement: BRIP1 is on the minus strand). VCF-style: chr17-61780902-T-G. GRCh37 (hg19) VCF-style: chr17-59858263-T-G.
Other names: short protein forms K578Q.
Identifiers: ClinVar variation 4783567 (VCV004783567.1).

ClinVar aggregate classification (germline): Uncertain significance (1 of 4 stars; one submission).

Conditions:
Fanconi anemia complementation group J. Also called: BRIP1-Related Fanconi Anemia. Identifiers: Orphanet 84, MedGen C1836860, MONDO:0012187, OMIM 609054.
Familial cancer of breast. Also called: Hereditary breast cancer; hereditary breast carcinoma; BREAST CANCER, FAMILIAL. Identifiers: Orphanet 227535, MedGen C0346153, MONDO:0016419, OMIM 114480. Disease mechanism: loss of function.

Submission:

Labcorp Genetics (formerly Invitae), Labcorp
Classification: Uncertain significance for Familial cancer of breast; Fanconi anemia complementation group J. Last evaluated: 2025-10-01. Review status: criteria provided, single submitter. Criteria: Invitae Variant Classification Sherloc (09022015). Collection method: clinical testing. Allele origin: germline.
Comment: This sequence change replaces lysine, which is basic and polar, with glutamine, which is neutral and polar, at codon 578 of the BRIP1 protein (p.Lys578Gln). This variant is not present in population databases (gnomAD no frequency). This variant has not been reported in the literature in individuals affected with BRIP1-related conditions. Invitae Evidence Modeling of protein sequence and biophysical properties (such as structural, functional, and spatial information, amino acid conservation, physicochemical variation, residue mobility, and thermodynamic stability) indicates that this missense variant is not expected to disrupt BRIP1 protein function with a negative predictive value of 95%. In summary, the available evidence is currently insufficient to determine the role of this variant in disease. Therefore, it has been classified as a Variant of Uncertain Significance.